The following is an entry in ClinVar:

NM_005732.4(RAD50):c.909A>C (p.Gln303His)

Gene: RAD50 (RAD50 double strand break repair protein; plus strand). Cytogenetic location: 5q31.1.
Variant type: single nucleotide variant.
Coding change: c.909A>C on transcript NM_005732.4 (MANE Select); coding-DNA position 909, A replaced by C.
Protein change: p.Gln303His; replaces glutamine 303 with histidine.
Molecular consequence: missense variant.
Genome position (GRCh38, 1-based): chr5:132,587,947, A>C. VCF-style: chr5-132587947-A-C. GRCh37 (hg19) VCF-style: chr5-131923639-A-C.
Other names: short protein forms Q303H.
Identifiers: ClinVar variation 946007 (VCV000946007.10), dbSNP rs1554098194, ClinGen allele CA360940844.

ClinVar aggregate classification (germline): Uncertain significance (1 of 4 stars; one submission).

Conditions:
Hereditary cancer-predisposing syndrome. Also called: Neoplastic Syndromes, Hereditary; Hereditary Cancer Syndrome; Tumor predisposition; Hereditary neoplastic syndrome. Identifiers: Orphanet 140162, MedGen C0027672, MeSH D009386, MONDO:0015356.

Submission:

Labcorp Genetics (formerly Invitae), Labcorp
Classification: Uncertain significance for Hereditary cancer-predisposing syndrome. Last evaluated: 2019-08-06. Review status: criteria provided, single submitter. Criteria: Invitae Variant Classification Sherloc (09022015). Collection method: clinical testing. Allele origin: germline.
Comment: In summary, the available evidence is currently insufficient to determine the role of this variant in disease. Therefore, it has been classified as a Variant of Uncertain Significance. Algorithms developed to predict the effect of missense changes on protein structure and function are either unavailable or do not agree on the potential impact of this missense change (SIFT: "Deleterious"; PolyPhen-2: "Possibly Damaging"; Align-GVGD: "Class C0"). This variant has not been reported in the literature in individuals with RAD50-related conditions. This variant is not present in population databases (ExAC no frequency). This sequence change replaces glutamine with histidine at codon 303 of the RAD50 protein (p.Gln303His). The glutamine residue is moderately conserved and there is a small physicochemical difference between glutamine and histidine.